The following is an entry in ClinVar:

NM_183050.4(BCKDHB):c.349G>A (p.Asp117Asn)

Gene: BCKDHB (branched chain keto acid dehydrogenase E1 subunit beta; plus strand). Cytogenetic location: 6q14.1.
Variant type: single nucleotide variant.
Coding change: c.349G>A on transcript NM_183050.4 (MANE Select); coding-DNA position 349, G replaced by A.
Protein change: p.Asp117Asn; replaces aspartic acid 117 with asparagine.
Molecular consequence: missense variant. On other transcripts: non-coding transcript variant (1).
Genome position (GRCh38, 1-based): chr6:80,167,683, G>A. VCF-style: chr6-80167683-G-A. GRCh37 (hg19) VCF-style: chr6-80877400-G-A.
Other names: c.349G>A, p.Asp117Asn (NM_000056.5); c.139G>A, p.Asp47Asn (NM_001318975.1); c.349G>A (NM_183050.2); short protein forms D117N, D47N.
Identifiers: ClinVar variation 2159158 (VCV002159158.2), dbSNP rs748499543, ClinGen allele CA3902594.

ClinVar aggregate classification (germline): Uncertain significance. Review status: criteria provided, multiple submitters, no conflicts (2 of 4 stars). 2 submissions from 2 submitters: Uncertain significance (2). Last evaluated 2025-04-10.

Conditions:
Inborn genetic diseases. Identifiers: MedGen C0950123, MeSH D030342.
Maple syrup urine disease (MSUD). Identifiers: Orphanet 511, MedGen C0024776, MeSH D008375, MONDO:0009563. Disease mechanism: loss of function.

Allele frequency attached by ClinVar (database versions not stated): ExAC 0.00001; TOPMed 0.00001.
gnomAD v4.1: 9 of 1,608,214 alleles (0.00056%); highest among the groups gnomAD compares: Admixed American, 0.0017%; no homozygotes.

Submissions (2):

Ambry Genetics
Classification: Uncertain significance for Inborn genetic diseases. Last evaluated: 2025-04-10. Review status: criteria provided, single submitter. Criteria: Ambry Variant Classification Scheme 2023. Collection method: clinical testing. Allele origin: germline.

Labcorp Genetics (formerly Invitae), Labcorp
Classification: Uncertain significance for Maple syrup urine disease. Last evaluated: 2022-07-26. Review status: criteria provided, single submitter. Criteria: Invitae Variant Classification Sherloc (09022015). Collection method: clinical testing. Allele origin: germline.
Comment: This sequence change replaces aspartic acid, which is acidic and polar, with asparagine, which is neutral and polar, at codon 117 of the BCKDHB protein (p.Asp117Asn). This variant is present in population databases (rs748499543, gnomAD 0.0009%). This variant has not been reported in the literature in individuals affected with BCKDHB-related conditions. Algorithms developed to predict the effect of missense changes on protein structure and function (SIFT, PolyPhen-2, Align-GVGD) all suggest that this variant is likely to be tolerated. In summary, the available evidence is currently insufficient to determine the role of this variant in disease. Therefore, it has been classified as a Variant of Uncertain Significance.